The following is an entry in ClinVar:

ClinVar aggregate classification (germline): Pathogenic (1 of 4 stars; one submission).

Conditions:
Microcephaly, normal intelligence and immunodeficiency (NBS). Also called: Immunodeficiency, microcephaly with normal intelligence; Nijmegen breakage syndrome; Ataxia telangiectasia variant V1; SEEMANOVA SYNDROME II; BERLIN BREAKAGE SYNDROME; IMMUNODEFICIENCY, MICROCEPHALY, AND CHROMOSOMAL INSTABILITY. Identifiers: Orphanet 647, MedGen C0398791, MONDO:0009623, OMIM 251260.

Submission:

Labcorp Genetics (formerly Invitae), Labcorp
Classification: Pathogenic for Microcephaly, normal intelligence and immunodeficiency. Last evaluated: 2021-10-18. Review status: criteria provided, single submitter. Criteria: Invitae Variant Classification Sherloc (09022015). Collection method: clinical testing. Allele origin: germline.
Comment: For these reasons, this variant has been classified as Pathogenic. Loss-of-function variants in NBN are known to be pathogenic (PMID: 9590180, 16415040). This variant has not been reported in the literature in individuals with NBN-related conditions. This variant is not present in population databases (ExAC no frequency). This sequence change creates a premature translational stop signal (p.Gln189Serfs*42) in the NBN gene. It is expected to result in an absent or disrupted protein product.

Literature cited by the submitters: PubMed 9590180; PubMed 16415040.

NM_002485.5(NBN):c.565del (p.Gln189fs)

Gene: NBN (nibrin; minus strand). Cytogenetic location: 8q21.3.
Variant type: Deletion.
Coding change: c.565del on transcript NM_002485.5 (MANE Select); coding-DNA position 565, one base deleted (C; older notation c.565delC).
Protein change: p.Gln189fs; shifts the reading frame from glutamine 189.
Molecular consequence: frameshift variant.
Genome position (GRCh38, 1-based): chr8:89,978,239, G deleted on the plus strand (C on the coding strand, the reverse complement: NBN is on the minus strand). VCF-style (leftmost placement, unchanged base first): chr8-89978238-TG-T. GRCh37 (hg19) VCF-style: chr8-90990466-TG-T.
Other names: c.319del, p.Gln107fs (NM_001024688.3); short protein forms Q189fs, Q107fs.
Identifiers: ClinVar variation 960607 (VCV000960607.7), dbSNP rs1811864250, ClinGen allele CA1139660647.